The following is an entry in ClinVar:

ClinVar aggregate classification (germline): Uncertain significance (1 of 4 stars; one submission).

Conditions:
Noonan syndrome 9 (NS9). Identifiers: Orphanet 648, MedGen C4225282, MONDO:0014691, OMIM 616559.

Submission:

Labcorp Genetics (formerly Invitae), Labcorp
Classification: Uncertain significance for Noonan syndrome 9. Last evaluated: 2021-08-07. Review status: criteria provided, single submitter. Criteria: Invitae Variant Classification Sherloc (09022015). Collection method: clinical testing. Allele origin: germline.
Comment: In summary, the available evidence is currently insufficient to determine the role of this variant in disease. Therefore, it has been classified as a Variant of Uncertain Significance. Algorithms developed to predict the effect of missense changes on protein structure and function are either unavailable or do not agree on the potential impact of this missense change (SIFT: "Tolerated"; PolyPhen-2: "Possibly Damaging"; Align-GVGD: "Class C0"). This variant has not been reported in the literature in individuals affected with SOS2-related conditions. This variant is not present in population databases (ExAC no frequency). This sequence change replaces glutamine with histidine at codon 178 of the SOS2 protein (p.Gln178His). The glutamine residue is highly conserved and there is a small physicochemical difference between glutamine and histidine.

NM_006939.4(SOS2):c.534G>T (p.Gln178His)

Gene: SOS2 (SOS Ras/Rho guanine nucleotide exchange factor 2; minus strand). Cytogenetic location: 14q21.3.
Variant type: single nucleotide variant.
Coding change: c.534G>T on transcript NM_006939.4 (MANE Select); coding-DNA position 534, G replaced by T.
Protein change: p.Gln178His; replaces glutamine 178 with histidine.
Molecular consequence: missense variant.
Genome position (GRCh38, 1-based): chr14:50,188,677, C>A on the plus strand (G>T on the coding strand, the complement: SOS2 is on the minus strand). VCF-style: chr14-50188677-C-A. GRCh37 (hg19) VCF-style: chr14-50655395-C-A.
Other names: short protein forms Q178H.
Identifiers: ClinVar variation 1481291 (VCV001481291.6), dbSNP rs2139734609, ClinGen allele CA389648318.